The following is an entry in ClinVar:

ClinVar aggregate classification (germline): Uncertain significance. Review status: criteria provided, multiple submitters, no conflicts (2 of 4 stars). 4 submissions from 4 submitters: Uncertain significance (4). Last evaluated 2025-06-17.

Conditions:
Inborn genetic diseases. Identifiers: MedGen C0950123, MeSH D030342.
Bethlem myopathy 1A. Also called: Bethlem Muscular Dystrophy; MYOPATHY, BENIGN CONGENITAL, WITH CONTRACTURES; Bethlem myopathy 1. Identifiers: Orphanet 610, MedGen CN029274, MONDO:0024530, OMIM 158810.

Allele frequency attached by ClinVar (database versions not stated): gnomAD 0.00001 and 0.00003; gnomAD exomes 0.00001.
gnomAD v4.1: 13 of 1,614,134 alleles (0.00081%); highest among the groups gnomAD compares: Middle Eastern, 0.049%; 2 homozygotes.

Submissions (4):

Ambry Genetics
Classification: Uncertain significance for Inborn genetic diseases. Last evaluated: 2025-06-17. Review status: criteria provided, single submitter. Criteria: Ambry Variant Classification Scheme 2023. Collection method: clinical testing. Allele origin: germline.

Revvity Omics, Revvity
Classification: Uncertain significance. Last evaluated: 2025-04-11. Review status: criteria provided, single submitter. Criteria: ACMG Guidelines, 2015. Collection method: clinical testing. Allele origin: germline.

Labcorp Genetics (formerly Invitae), Labcorp
Classification: Uncertain significance for Bethlem myopathy 1A. Last evaluated: 2025-03-20. Review status: criteria provided, single submitter. Criteria: Invitae Variant Classification Sherloc (09022015). Collection method: clinical testing. Allele origin: germline.
Comment: This sequence change replaces arginine, which is basic and polar, with cysteine, which is neutral and slightly polar, at codon 1798 of the COL6A3 protein (p.Arg1798Cys). This variant is present in population databases (no rsID available, gnomAD 0.02%). This variant has not been reported in the literature in individuals affected with COL6A3-related conditions. ClinVar contains an entry for this variant (Variation ID: 290619). Invitae Evidence Modeling of protein sequence and biophysical properties (such as structural, functional, and spatial information, amino acid conservation, physicochemical variation, residue mobility, and thermodynamic stability) indicates that this missense variant is expected to disrupt COL6A3 protein function with a positive predictive value of 80%. In summary, the available evidence is currently insufficient to determine the role of this variant in disease. Therefore, it has been classified as a Variant of Uncertain Significance.

Eurofins Ntd Llc (ga)
Classification: Uncertain significance. Last evaluated: 2016-09-06. Review status: criteria provided, single submitter. Criteria: EGL Classification Definitions 2015. Collection method: clinical testing. Allele origin: germline. Observed: 1 variant allele, 1 heterozygote.

NM_004369.4(COL6A3):c.5392C>T (p.Arg1798Cys)

Gene: COL6A3 (collagen type VI alpha 3 chain; minus strand). Cytogenetic location: 2q37.3.
Variant type: single nucleotide variant.
Coding change: c.5392C>T on transcript NM_004369.4 (MANE Select); coding-DNA position 5392, C replaced by T.
Protein change: p.Arg1798Cys; replaces arginine 1798 with cysteine.
Molecular consequence: missense variant.
Genome position (GRCh38, 1-based): chr2:237,366,795, G>A on the plus strand (C>T on the coding strand, the complement: COL6A3 is on the minus strand). VCF-style: chr2-237366795-G-A. GRCh37 (hg19) VCF-style: chr2-238275438-G-A.
Other names: c.5392C>T (NM_004369.3); c.3571C>T, p.Arg1191Cys (NM_057166.5); c.4774C>T, p.Arg1592Cys (NM_057167.4); short protein forms R1798C, R1592C, R1191C.
Identifiers: ClinVar variation 290619 (VCV000290619.17), dbSNP rs886044508, ClinGen allele CA10606848.